The following is an entry in ClinVar:

ClinVar aggregate classification (germline): Uncertain significance (1 of 4 stars; one submission).

Conditions:
GLUT1 deficiency syndrome 1, autosomal recessive. Identifiers: MedGen C3149117.

Allele frequency attached by ClinVar (database versions not stated): gnomAD exomes below 0.00001; TOPMed below 0.00001.
gnomAD v4.1: 1 of 1,613,998 alleles (0.000062%); highest among the groups gnomAD compares: Non-Finnish European, 0.000085%; no homozygotes.

Submission:

Labcorp Genetics (formerly Invitae), Labcorp
Classification: Uncertain significance for GLUT1 deficiency syndrome 1, autosomal recessive. Last evaluated: 2025-03-06. Review status: criteria provided, single submitter. Criteria: Invitae Variant Classification Sherloc (09022015). Collection method: clinical testing. Allele origin: germline.
Comment: This sequence change replaces glycine, which is neutral and non-polar, with valine, which is neutral and non-polar, at codon 471 of the SLC2A1 protein (p.Gly471Val). This variant is present in population databases (no rsID available, gnomAD 0.0009%). This variant has not been reported in the literature in individuals affected with SLC2A1-related conditions. ClinVar contains an entry for this variant (Variation ID: 1020711). Invitae Evidence Modeling incorporating data from in vitro experimental studies (internal data) did not meet the statistical confidence thresholds required to predict the impact of this variant on SLC2A1 function. In summary, the available evidence is currently insufficient to determine the role of this variant in disease. Therefore, it has been classified as a Variant of Uncertain Significance.

NM_006516.4(SLC2A1):c.1412G>T (p.Gly471Val)

Gene: SLC2A1 (solute carrier family 2 member 1; minus strand). Cytogenetic location: 1p34.2.
Variant type: single nucleotide variant.
Coding change: c.1412G>T on transcript NM_006516.4 (MANE Select); coding-DNA position 1412, G replaced by T.
Protein change: p.Gly471Val; replaces glycine 471 with valine.
Molecular consequence: missense variant.
Genome position (GRCh38, 1-based): chr1:42,927,108, C>A on the plus strand (G>T on the coding strand, the complement: SLC2A1 is on the minus strand). VCF-style: chr1-42927108-C-A. GRCh37 (hg19) VCF-style: chr1-43392779-C-A.
Other names: short protein forms G471V.
Identifiers: ClinVar variation 1020711 (VCV001020711.9), dbSNP rs955043564, ClinGen allele CA21248757.